The following is an entry in ClinVar:

ClinVar aggregate classification (germline): Uncertain significance (1 of 4 stars; one submission).

Allele frequency attached by ClinVar (database versions not stated): gnomAD 0.00001; ExAC 0.00002; 1000 Genomes Project 30x 0.00016; 1000 Genomes Project 0.00020.
gnomAD v4.1: 23 of 1,613,956 alleles (0.0014%); highest among the groups gnomAD compares: South Asian, 0.0044%; no homozygotes.

Submission:

Labcorp Genetics (formerly Invitae), Labcorp
Classification: Uncertain significance. Last evaluated: 2023-11-27. Review status: criteria provided, single submitter. Criteria: Invitae Variant Classification Sherloc (09022015). Collection method: clinical testing. Allele origin: germline.
Comment: This sequence change replaces alanine, which is neutral and non-polar, with valine, which is neutral and non-polar, at codon 295 of the CEACAM16 protein (p.Ala295Val). This variant is present in population databases (rs543602696, gnomAD 0.006%). This variant has not been reported in the literature in individuals affected with CEACAM16-related conditions. ClinVar contains an entry for this variant (Variation ID: 1972312). Advanced modeling of protein sequence and biophysical properties (such as structural, functional, and spatial information, amino acid conservation, physicochemical variation, residue mobility, and thermodynamic stability) performed at Invitae indicates that this missense variant is not expected to disrupt CEACAM16 protein function with a negative predictive value of 80%. In summary, the available evidence is currently insufficient to determine the role of this variant in disease. Therefore, it has been classified as a Variant of Uncertain Significance.

NM_001039213.4(CEACAM16):c.884C>T (p.Ala295Val)

Genes: CEACAM16 (CEA cell adhesion molecule 16, tectorial membrane component; plus strand), CEACAM16-AS1 (CEACAM16, CEACAM19 and PVR antisense RNA 1; minus strand). Cytogenetic location: 19q13.32.
Variant type: single nucleotide variant.
Coding change: c.884C>T on transcript NM_001039213.4 (MANE Select); coding-DNA position 884, C replaced by T.
Protein change: p.Ala295Val; replaces alanine 295 with valine.
Molecular consequence: missense variant.
Genome position (GRCh38, 1-based): chr19:44,705,812, C>T. VCF-style: chr19-44705812-C-T. GRCh37 (hg19) VCF-style: chr19-45209082-C-T.
Other names: short protein forms A295V.
Identifiers: ClinVar variation 1972312 (VCV001972312.5), dbSNP rs543602696, ClinGen allele CA9503165.